The following is an entry in ClinVar:

NM_013276.4(SHPK):c.738_746del (p.Ile247_Lys249del)

Gene: SHPK (sedoheptulokinase; minus strand). Cytogenetic location: 17p13.2.
Variant type: Deletion.
Coding change: c.738_746del on transcript NM_013276.4 (MANE Select); coding-DNA positions 738 to 746, 9 bases deleted (AATCCCAAA; older notation c.738_746delAATCCCAAA).
Protein change: p.Ile247_Lys249del.
Genome position (GRCh38, 1-based): chr17:3,621,314-3,621,322, TTTGGGATT deleted on the plus strand (AATCCCAAA on the coding strand, the reverse complement: SHPK is on the minus strand); deleting any 9 consecutive bases within chr17:3,621,314-3,621,323 gives the same sequence; the c. name uses the placement nearest the transcript's 3' end. VCF-style (leftmost placement, unchanged base first): chr17-3621313-CTTTGGGATT-C. GRCh37 (hg19) VCF-style: chr17-3524607-CTTTGGGATT-C.
Identifiers: ClinVar variation 3725588 (VCV003725588.2).

ClinVar aggregate classification (germline): Uncertain significance (1 of 4 stars; one submission).

Submission:

Labcorp Genetics (formerly Invitae), Labcorp
Classification: Uncertain significance. Last evaluated: 2024-11-19. Review status: criteria provided, single submitter. Criteria: Invitae Variant Classification Sherloc (09022015). Collection method: clinical testing. Allele origin: germline.
Comment: This variant, c.738_746del, results in the deletion of 3 amino acid(s) of the SHPK protein (p.Ile247_Lys249del), but otherwise preserves the integrity of the reading frame. This variant is not present in population databases (gnomAD no frequency). This variant has not been reported in the literature in individuals affected with SHPK-related conditions. Experimental studies and prediction algorithms are not available or were not evaluated, and the functional significance of this variant is currently unknown. In summary, the available evidence is currently insufficient to determine the role of this variant in disease. Therefore, it has been classified as a Variant of Uncertain Significance.